The following is an entry in ClinVar:

ClinVar aggregate classification (germline): Uncertain significance (1 of 4 stars; one submission).

Submission:

GeneDx
Classification: Uncertain significance. Last evaluated: 2019-12-17. Review status: criteria provided, single submitter. Criteria: GeneDx Variant Classification Process June 2021. Collection method: clinical testing. Allele origin: germline. Affected: yes.
Comment: Not observed in large population cohorts (Lek et al., 2016); Frameshift variant predicted to result in protein truncation or nonsense mediated decay in a gene for which loss-of-function is not a known mechanism of disease; Has not been previously published as pathogenic or benign to our knowledge

NM_212482.4(FN1):c.582del (p.Tyr195fs)

Gene: FN1 (fibronectin 1; minus strand). Cytogenetic location: 2q35.
Variant type: Deletion.
Coding change: c.582del on transcript NM_212482.4 (MANE Select); coding-DNA position 582, one base deleted (C; older notation c.582delC).
Protein change: p.Tyr195fs; shifts the reading frame from tyrosine 195.
Molecular consequence: frameshift variant.
Genome position (GRCh38, 1-based): chr2:215,430,818, G deleted on the plus strand (C on the coding strand, the reverse complement: FN1 is on the minus strand); the first of 2 consecutive G bases (chr2:215,430,818-215,430,819); deleting either gives the same sequence. VCF-style (leftmost placement, unchanged base first): chr2-215430817-AG-A. GRCh37 (hg19) VCF-style: chr2-216295540-AG-A.
Other names: c.582del, p.Tyr195fs (NM_001306129.2, NM_001306130.2, NM_001306131.2 and 14 more transcripts); short protein forms Y195fs.
Identifiers: ClinVar variation 1311002 (VCV001311002.2), dbSNP rs2106515356, ClinGen allele CA2573051859.
Genomic context (GRCh38, chr2:215,430,817, plus strand): 5'-AAGTACAATCTACCATCATCCAGCCTTGGTAGGGCTTCTCCCACGTTTCTCCGACCACAT[AG>A]GAAGTCCCAGCAGCATGATCAAAACACTTCTCAGCTGTAGGGAAATTTGGAAGAAAAACA-3'